The following is an entry in ClinVar:

ClinVar aggregate classification (germline): Conflicting classifications of pathogenicity. Review status: criteria provided, conflicting classifications (1 of 4 stars). 5 submissions from 5 submitters: Uncertain significance (3); Likely benign (2). Last evaluated 2025-11-21.

Conditions:
Renal cell carcinoma. Identifiers: Orphanet 217071, MedGen C0007134, MeSH D002292, MONDO:0005086, HP:0005584.
Hereditary papillary renal cell carcinoma. Identifiers: Orphanet 47044, MedGen C0879257, MONDO:0003789.
Hereditary cancer. Identifiers: MedGen C1333600.
Hereditary cancer-predisposing syndrome. Also called: Hereditary Cancer Syndrome; Tumor predisposition; Hereditary neoplastic syndrome; Neoplastic Syndromes, Hereditary. Identifiers: Orphanet 140162, MedGen C0027672, MeSH D009386, MONDO:0015356.

Allele frequency attached by ClinVar (database versions not stated): TOPMed below 0.00001.

Submissions (5):

Dasa
Classification: Uncertain significance for Hereditary papillary renal cell carcinoma. Last evaluated: 2025-11-21. Review status: criteria provided, single submitter. Criteria: DASA Assertion Criteria. Collection method: clinical testing. Allele origin: germline.
Comment: NM_000245.4(MET):c.465G>T (p.Gln155His) is a missense variant that results in the substitution of glutamine with histidine. This variant is absent from population databases. Computational prediction algorithms are consistent with a benign effect. The currently available literature and clinical evidence are not sufficient to establish a definitive association between this variant and the reported condition. Therefore, this variant is classified as a variant of uncertain significance.

Labcorp Genetics (formerly Invitae), Labcorp
Classification: Uncertain significance for Renal cell carcinoma. Last evaluated: 2025-10-02. Review status: criteria provided, single submitter. Criteria: Invitae Variant Classification Sherloc (09022015). Collection method: clinical testing. Allele origin: germline.
Comment: This sequence change replaces glutamine, which is neutral and polar, with histidine, which is basic and polar, at codon 155 of the MET protein (p.Gln155His). This variant is not present in population databases (gnomAD no frequency). This variant has not been reported in the literature in individuals affected with MET-related conditions. ClinVar contains an entry for this variant (Variation ID: 216511). Invitae Evidence Modeling of protein sequence and biophysical properties (such as structural, functional, and spatial information, amino acid conservation, physicochemical variation, residue mobility, and thermodynamic stability) indicates that this missense variant is not expected to disrupt MET protein function with a negative predictive value of 80%. In summary, the available evidence is currently insufficient to determine the role of this variant in disease. Therefore, it has been classified as a Variant of Uncertain Significance.

Quest Diagnostics Nichols Institute San Juan Capistrano
Classification: Uncertain significance. Last evaluated: 2025-05-05. Review status: criteria provided, single submitter. Criteria: Quest Diagnostics criteria. Collection method: clinical testing. Allele origin: unknown.

Ambry Genetics
Classification: Likely benign for Hereditary cancer-predisposing syndrome. Last evaluated: 2025-02-04. Review status: criteria provided, single submitter. Criteria: Ambry Variant Classification Scheme 2023. Collection method: clinical testing. Allele origin: germline.

Mendelics
Classification: Likely benign for Hereditary cancer. Last evaluated: 2024-01-23. Review status: criteria provided, single submitter. Criteria: ACMG Guidelines, 2015. Collection method: clinical testing. Allele origin: unknown.

NM_000245.4(MET):c.465G>T (p.Gln155His)

Gene: MET (MET proto-oncogene, receptor tyrosine kinase; plus strand). Cytogenetic location: 7q31.2.
Variant type: single nucleotide variant.
Coding change: c.465G>T on transcript NM_000245.4 (MANE Select); coding-DNA position 465, G replaced by T.
Protein change: p.Gln155His; replaces glutamine 155 with histidine.
Molecular consequence: missense variant. On other transcripts: intron variant (1).
Genome position (GRCh38, 1-based): chr7:116,699,549, G>T. VCF-style: chr7-116699549-G-T. GRCh37 (hg19) VCF-style: chr7-116339603-G-T.
Other names: c.465G>T, p.Gln155His (NM_001127500.3, NM_001324401.3); c.-91+26972G>T (NM_001324402.2); c.465G>T (NM_001127500.2); short protein forms Q155H.
Identifiers: ClinVar variation 216511 (VCV000216511.19), dbSNP rs863224695, ClinGen allele CA339081.